The following is an entry in ClinVar:

NM_020297.4(ABCC9):c.438T>G (p.Ile146Met)

Gene: ABCC9 (ATP binding cassette subfamily C member 9; minus strand). Cytogenetic location: 12p12.1.
Variant type: single nucleotide variant.
Coding change: c.438T>G on transcript NM_020297.4 (MANE Select); coding-DNA position 438, T replaced by G.
Protein change: p.Ile146Met; replaces isoleucine 146 with methionine.
Molecular consequence: missense variant. On other transcripts: intron variant (1).
Genome position (GRCh38, 1-based): chr12:21,917,072, A>C on the plus strand (T>G on the coding strand, the complement: ABCC9 is on the minus strand). VCF-style: chr12-21917072-A-C. GRCh37 (hg19) VCF-style: chr12-22070006-A-C.
Other names: c.438T>G, p.Ile146Met (NM_001377273.1, NM_005691.4); c.-48-4006T>G (NM_001377274.1); short protein forms I146M.
Identifiers: ClinVar variation 849981 (VCV000849981.9), dbSNP rs1948627344, ClinGen allele CA384125819.

ClinVar aggregate classification (germline): Uncertain significance (1 of 4 stars; one submission).

Conditions:
Dilated cardiomyopathy 1O (CMD1O). Also called: CARDIOMYOPATHY, DILATED, WITH VENTRICULAR TACHYCARDIA. Identifiers: Orphanet 154, MedGen C1837839, MONDO:0012062, OMIM 608569.

Submission:

Labcorp Genetics (formerly Invitae), Labcorp
Classification: Uncertain significance for Dilated cardiomyopathy 1O. Last evaluated: 2024-01-27. Review status: criteria provided, single submitter. Criteria: Invitae Variant Classification Sherloc (09022015). Collection method: clinical testing. Allele origin: germline.
Comment: This sequence change replaces isoleucine, which is neutral and non-polar, with methionine, which is neutral and non-polar, at codon 146 of the ABCC9 protein (p.Ile146Met). This variant is not present in population databases (gnomAD no frequency). This variant has not been reported in the literature in individuals affected with ABCC9-related conditions. ClinVar contains an entry for this variant (Variation ID: 849981). Advanced modeling of protein sequence and biophysical properties (such as structural, functional, and spatial information, amino acid conservation, physicochemical variation, residue mobility, and thermodynamic stability) has been performed at Invitae for this missense variant, however the output from this modeling did not meet the statistical confidence thresholds required to predict the impact of this variant on ABCC9 protein function. In summary, the available evidence is currently insufficient to determine the role of this variant in disease. Therefore, it has been classified as a Variant of Uncertain Significance.